The following is an entry in ClinVar:

NM_004484.4(GPC3):c.743T>C (p.Phe248Ser)

Gene: GPC3 (glypican 3; minus strand). Cytogenetic location: Xq26.2.
Variant type: single nucleotide variant.
Coding change: c.743T>C on transcript NM_004484.4 (MANE Select); coding-DNA position 743, T replaced by C.
Protein change: p.Phe248Ser; replaces phenylalanine 248 with serine.
Molecular consequence: missense variant.
Genome position (GRCh38, 1-based): chrX:133,753,771, A>G on the plus strand (T>C on the coding strand, the complement: GPC3 is on the minus strand). VCF-style: chrX-133753771-A-G. GRCh37 (hg19) VCF-style: chrX-132887798-A-G.
Other names: c.743T>C, p.Phe248Ser (NM_001164617.2); c.695T>C, p.Phe232Ser (NM_001164618.2); c.581T>C, p.Phe194Ser (NM_001164619.2); short protein forms F194S, F232S, F248S.
Identifiers: ClinVar variation 2717111 (VCV002717111.3), dbSNP rs2521355358, ClinGen allele CA414705955.

ClinVar aggregate classification (germline): Uncertain significance (1 of 4 stars; one submission).

Conditions:
Wilms tumor 1 (WT1). Also called: Wilms tumor, somatic. Identifiers: Orphanet 654, MedGen CN033288, MONDO:0008679, OMIM 194070.

Submission:

Labcorp Genetics (formerly Invitae), Labcorp
Classification: Uncertain significance for Wilms tumor 1. Last evaluated: 2023-02-06. Review status: criteria provided, single submitter. Criteria: Invitae Variant Classification Sherloc (09022015). Collection method: clinical testing. Allele origin: germline.
Comment: This sequence change replaces phenylalanine, which is neutral and non-polar, with serine, which is neutral and polar, at codon 248 of the GPC3 protein (p.Phe248Ser). This variant is not present in population databases (gnomAD no frequency). This variant has not been reported in the literature in individuals affected with GPC3-related conditions. Advanced modeling of protein sequence and biophysical properties (such as structural, functional, and spatial information, amino acid conservation, physicochemical variation, residue mobility, and thermodynamic stability) has been performed at Invitae for this missense variant, however the output from this modeling did not meet the statistical confidence thresholds required to predict the impact of this variant on GPC3 protein function. In summary, the available evidence is currently insufficient to determine the role of this variant in disease. Therefore, it has been classified as a Variant of Uncertain Significance.